The following is an entry in ClinVar:

ClinVar aggregate classification (germline): Pathogenic (1 of 4 stars; one submission).

Conditions:
Peutz-Jeghers syndrome (PJS). Also called: POLYPOSIS, HAMARTOMATOUS INTESTINAL; POLYPS-AND-SPOTS SYNDROME; Peutz-Jeghers polyposis; Periorificial lentiginosis syndrome. Identifiers: Orphanet 2869, MedGen C0031269, MeSH D010580, MONDO:0008280, OMIM 175200.

Submission:

Labcorp Genetics (formerly Invitae), Labcorp
Classification: Pathogenic for Peutz-Jeghers syndrome. Last evaluated: 2019-10-21. Review status: criteria provided, single submitter. Criteria: Invitae Variant Classification Sherloc (09022015). Collection method: clinical testing. Allele origin: germline.
Comment: This sequence change creates a premature translational stop signal (p.Pro319Glnfs*43) in the STK11 gene. It is expected to result in an absent or disrupted protein product. This variant is not present in population databases (ExAC no frequency). This variant has not been reported in the literature in individuals with STK11-related conditions. Algorithms developed to predict the effect of sequence changes on RNA splicing suggest that this variant may create or strengthen a splice site, but this prediction has not been confirmed by published transcriptional studies. Loss-of-function variants in STK11 are known to be pathogenic (PMID: 15188174, 16287113). For these reasons, this variant has been classified as Pathogenic.

NM_000455.5(STK11):c.954_956delinsCCAGGTGGGA (p.Pro319fs)

Gene: STK11 (serine/threonine kinase 11; plus strand). Cytogenetic location: 19p13.3.
Variant type: Indel.
Coding change: c.954_956delinsCCAGGTGGGA on transcript NM_000455.5 (MANE Select); coding-DNA positions 954 to 956, ACC replaced by CCAGGTGGGA.
Protein change: p.Pro319fs; shifts the reading frame from proline 319.
Molecular consequence: frameshift variant.
Genome position (GRCh38, 1-based): chr19:1,223,018-1,223,020, ACC replaced by CCAGGTGGGA. VCF-style: chr19-1223018-ACC-CCAGGTGGGA. GRCh37 (hg19) VCF-style: chr19-1223017-ACC-CCAGGTGGGA.
Other names: short protein forms P319fs.
Identifiers: ClinVar variation 965473 (VCV000965473.1), dbSNP rs2080796043, ClinGen allele CA1139666161.
Genomic context (GRCh38, chr19:1,223,018, plus strand): 5'-GGCGCCACTGCTTCTGGGCGTTTGCAGCTGGTTCCGGAAGAAACATCCTCCGGCTGAAGC[ACC>CCAGGTGGGA]AGTGCCCATCCCACCGAGCCCAGACACCAAGGACCGGTGGCGCAGCATGACTGTGGTGCC-3'